The following is an entry in ClinVar:

ClinVar aggregate classification (germline): Likely benign (1 of 4 stars; one submission).

Allele frequency attached by ClinVar (database versions not stated): gnomAD exomes below 0.00001.

Submission:

CeGaT Center for Human Genetics Tuebingen
Classification: Likely benign. Last evaluated: 2023-01-01. Review status: criteria provided, single submitter. Criteria: CeGaT Center For Human Genetics Tuebingen Variant Classification Criteria Version 2. Collection method: clinical testing. Allele origin: germline. Affected: yes. Observed: 1 variant allele.
Comment: KIF26A: PM2:Supporting, BP4, BP7

NM_015656.2(KIF26A):c.987C>T (p.Ala329=)

Gene: KIF26A (kinesin family member 26A; plus strand). Cytogenetic location: 14q32.33.
Variant type: single nucleotide variant.
Coding change: c.987C>T on transcript NM_015656.2 (MANE Select); coding-DNA position 987, C replaced by T.
Protein change: p.Ala329=; no amino-acid change (alanine 329 retained).
Molecular consequence: synonymous variant.
Genome position (GRCh38, 1-based): chr14:104,166,922, C>T. VCF-style: chr14-104166922-C-T. GRCh37 (hg19) VCF-style: chr14-104633259-C-T.
Identifiers: ClinVar variation 2644600 (VCV002644600.24), dbSNP rs1425962174, ClinGen allele CA488058831.